The following is an entry in ClinVar:

NM_005807.6(PRG4):c.2816_2817del (p.Lys939fs)

Gene: PRG4 (proteoglycan 4; plus strand). Cytogenetic location: 1q31.1.
Variant type: Deletion.
Coding change: c.2816_2817del on transcript NM_005807.6 (MANE Select); coding-DNA positions 2816 to 2817, 2 bases deleted (AA; older notation c.2816_2817delAA).
Protein change: p.Lys939fs; shifts the reading frame from lysine 939.
Molecular consequence: frameshift variant.
Genome position (GRCh38, 1-based): chr1:186,308,535-186,308,536, AA deleted; deleting any 2 consecutive bases within chr1:186,308,533-186,308,536 gives the same sequence; the c. name uses the placement nearest the transcript's 3' end. VCF-style (leftmost placement, unchanged base first): chr1-186308532-CAA-C. GRCh37 (hg19) VCF-style: chr1-186277664-CAA-C.
Other names: c.2693_2694del, p.Lys898fs (NM_001127708.3); c.2537_2538del, p.Lys846fs (NM_001127709.3); c.2414_2415del, p.Lys805fs (NM_001127710.3); c.2687_2688del, p.Lys896fs (NM_001303232.2); c.2816_2817delAA (NM_005807.4); short protein forms K805fs, K846fs, K896fs, K898fs, K939fs.
Identifiers: ClinVar variation 2577874 (VCV002577874.4), dbSNP rs1284076232, ClinGen allele CA528079589.

ClinVar aggregate classification (germline): Pathogenic. Review status: criteria provided, multiple submitters, no conflicts (2 of 4 stars). 4 submissions from 4 submitters: Pathogenic (4). Last evaluated 2026-01-27.

Conditions:
Camptodactyly-arthropathy-coxa vara-pericarditis syndrome. Also called: FIBROSING SEROSITIS, FAMILIAL; JACOBS SYNDROME; PAC SYNDROME; Arthropathy camptodactyly syndrome; Pericarditis arthropathy camptodactyly syndrome; Congenital familial hypertrophic synovitis. Identifiers: Orphanet 2848, MedGen C1859690, MONDO:0008828, OMIM 208250.
PRG4-related disorder. Also called: PRG4-related condition.

Submissions (4):

PreventionGenetics, part of Exact Sciences
Classification: Pathogenic for PRG4-related condition. Last evaluated: 2026-01-27. Review status: criteria provided, single submitter. Criteria: ACMG Guidelines, 2015. Collection method: clinical testing. Allele origin: germline.
Comment: The PRG4 c.2816_2817delAA variant is predicted to result in a frameshift and premature protein termination (p.Lys939Argfs*38). This variant has been reported in the homozygous state in individuals from a consanguineous Pakistani family with camptodactyly-arthropathy-coxa vara-pericarditis syndrome (Basit et al. 2011. PubMed ID: 21565623). This variant is reported in 0.011% of alleles in individuals of African descent in gnomAD. Frameshift variants in PRG4 are expected to be pathogenic. This variant is interpreted as pathogenic.

3billion
Classification: Pathogenic for Camptodactyly-arthropathy-coxa vara-pericarditis syndrome. Last evaluated: 2025-06-25. Review status: criteria provided, single submitter. Criteria: ACMG Guidelines, 2015. Collection method: clinical testing. Allele origin: germline. Affected: yes.
Comment: The variant is observed at an extremely low frequency in the gnomAD v4.1.0 dataset (total allele frequency: 0.001%). Predicted Consequence/Location: Frameshift: predicted to result in a loss or disruption of normal protein function through nonsense-mediated decay (NMD) or protein truncation. Multiple pathogenic variants are reported downstream of the variant. No sentences The variant has been reported to be associated with PRG4-related disorder (ClinVar ID: VCV002577874 /PMID: 21565623). Therefore, this variant is classified as Pathogenic according to the recommendation of ACMG/AMP guideline.

Juno Genomics, Hangzhou Juno Genomics, Inc
Classification: Pathogenic for Camptodactyly-arthropathy-coxa vara-pericarditis syndrome. Review status: criteria provided, single submitter. Criteria: ACMG Guidelines, 2015. Collection method: clinical testing. Allele origin: germline.
Comment: Absent from controls (or at extremely low frequency if recessive) in Genome Aggregation Database.;Null variant in a gene where loss of function (LOF) is a known mechanism of disease.;For recessive disorders, detected in trans with a pathogenic variant.;Co-segregation with disease in multiple affected family members.

Kasturba Medical College, Manipal, Kasturba Medical College, Manipal, Manipal Academy of Higher Education, Manipal, India
Classification: Pathogenic for Camptodactyly-arthropathy-coxa vara-pericarditis syndrome. Review status: criteria provided, single submitter. Criteria: ACMG Guidelines, 2015. Collection method: clinical testing. Allele origin: germline. Affected: yes.

Literature cited by the submitters: PubMed 21565623 (cited by 3billion).